The following is an entry in ClinVar:

NM_001384732.1(CPLANE1):c.5819_5820+1del

Gene: CPLANE1 (ciliogenesis and planar polarity effector complex subunit 1; minus strand). Cytogenetic location: 5p13.2.
Variant type: Microsatellite.
Coding change: c.5819_5820+1del on transcript NM_001384732.1 (MANE Select); coding-DNA position 5819 through the canonical splice donor site of the intron after coding-DNA position 5820, 3 bases deleted (AAG; older notation c.5819_5820+1delAAG).
Molecular consequence: splice donor variant.
Genome position (GRCh38, 1-based): chr5:37,179,360-37,179,362, CTT deleted on the plus strand (AAG on the coding strand, the reverse complement: CPLANE1 is on the minus strand); deleting any 3 consecutive bases within chr5:37,179,360-37,179,367 gives the same sequence; the c. name uses the placement nearest the transcript's 3' end. VCF-style (leftmost placement, unchanged base first): chr5-37179359-ACTT-A. GRCh37 (hg19) VCF-style: chr5-37179461-ACTT-A.
Other names: c.5819_5820+1del (NM_023073.4); c.5819_5820+1delAAG (NM_023073.3).
Identifiers: ClinVar variation 1434002 (VCV001434002.6), dbSNP rs750448104, ClinGen allele CA3238440.

ClinVar aggregate classification (germline): Uncertain significance. Review status: criteria provided, multiple submitters, no conflicts (2 of 4 stars). 3 submissions from 3 submitters: Uncertain significance (3). Last evaluated 2023-10-25.

Submissions (3):

Blueprint Genetics
Classification: Uncertain significance. Last evaluated: 2023-10-25. Review status: criteria provided, single submitter. Criteria: ACMG Guidelines, 2015. Collection method: clinical testing. Allele origin: germline.

Women's Health and Genetics/Laboratory Corporation of America, LabCorp
Classification: Uncertain significance. Last evaluated: 2023-01-11. Review status: criteria provided, single submitter. Criteria: LabCorp Variant Classification Summary - May 2015. Collection method: clinical testing. Allele origin: germline.
Comment: Variant summary: CPLANE1 c.5819_5820+1delAAG is located in a canonical splice-site and is predicted to affect mRNA splicing resulting in a significantly altered protein due to either exon skipping, shortening, or inclusion of intronic material. Several computational tools predict a significant impact on normal splicing: Four predict the variant shifts the canonical 5 splicing donor site 3 nucleotides upstream, resulting in the in-frame deletion of one amino acid from the encoded protein. However, these predictions have yet to be confirmed by functional studies. The variant allele was found at a frequency of 4.1e-05 in 245830 control chromosomes (gnomAD). This frequency is not higher than expected for a pathogenic variant in CPLANE1 causing Joubert Syndrome And Related Disorders (4.1e-05 vs 0.0015), allowing no conclusion about variant significance. To our knowledge, no occurrence of c.5819_5820+1delAAG in individuals affected with Joubert Syndrome And Related Disorders and no experimental evidence demonstrating its impact on protein function have been reported. A ClinVar submitter (evaluation after 2014) cites the variant as uncertain significance. Based on the evidence outlined above, the variant was classified as uncertain significance.

Labcorp Genetics (formerly Invitae), Labcorp
Classification: Uncertain significance. Last evaluated: 2022-08-15. Review status: criteria provided, single submitter. Criteria: Invitae Variant Classification Sherloc (09022015). Collection method: clinical testing. Allele origin: germline.
Comment: This variant, c.5818_5820del, results in the deletion of 1 amino acid(s) of the CPLANE1 protein (p.Glu1940del), but otherwise preserves the integrity of the reading frame. This variant is present in population databases (rs750448104, gnomAD 0.02%). This variant has not been reported in the literature in individuals affected with CPLANE1-related conditions. This variant is also known as c.5819_5820+1del. Algorithms developed to predict the effect of sequence changes on RNA splicing suggest that this variant may disrupt the consensus splice site. In summary, the available evidence is currently insufficient to determine the role of this variant in disease. Therefore, it has been classified as a Variant of Uncertain Significance.